The following is an entry in ClinVar:

ClinVar aggregate classification (germline): Uncertain significance (1 of 4 stars; one submission).

Submission:

GeneDx
Classification: Uncertain significance. Last evaluated: 2022-10-26. Review status: criteria provided, single submitter. Criteria: GeneDx Variant Classification Process June 2021. Collection method: clinical testing. Allele origin: germline. Affected: yes.
Comment: Not observed at significant frequency in large population cohorts (gnomAD); In silico analysis supports that this missense variant does not alter protein structure/function; Has not been previously published as pathogenic or benign to our knowledge

NM_000465.4(BARD1):c.481G>C (p.Ala161Pro)

Gene: BARD1 (BRCA1 associated RING domain 1; minus strand). Cytogenetic location: 2q35.
Variant type: single nucleotide variant.
Coding change: c.481G>C on transcript NM_000465.4 (MANE Select); coding-DNA position 481, G replaced by C.
Protein change: p.Ala161Pro; replaces alanine 161 with proline.
Molecular consequence: missense variant. On other transcripts: non-coding transcript variant (2), intron variant (3).
Genome position (GRCh38, 1-based): chr2:214,781,393, C>G on the plus strand (G>C on the coding strand, the complement: BARD1 is on the minus strand). VCF-style: chr2-214781393-C-G. GRCh37 (hg19) VCF-style: chr2-215646117-C-G.
Other names: c.424G>C, p.Ala142Pro (NM_001282543.2); c.158+28019G>C (NM_001282548.2); c.215+15668G>C (NM_001282545.2); c.364+10904G>C (NM_001282549.2); short protein forms A142P, A161P.
Identifiers: ClinVar variation 2500515 (VCV002500515.1), dbSNP rs2106112203, ClinGen allele CA350457553.